The following is an entry in ClinVar:

NM_015102.5(NPHP4):c.967A>G (p.Lys323Glu)

Gene: NPHP4 (nephrocystin 4; minus strand). Cytogenetic location: 1p36.31.
Variant type: single nucleotide variant.
Coding change: c.967A>G on transcript NM_015102.5 (MANE Select); coding-DNA position 967, A replaced by G.
Protein change: p.Lys323Glu; replaces lysine 323 with glutamic acid.
Molecular consequence: missense variant. On other transcripts: 5 prime UTR variant (2), non-coding transcript variant (1).
Genome position (GRCh38, 1-based): chr1:5,948,095, T>C on the plus strand (A>G on the coding strand, the complement: NPHP4 is on the minus strand). VCF-style: chr1-5948095-T-C. GRCh37 (hg19) VCF-style: chr1-6008155-T-C.
Other names: c.-400A>G (NM_001291593.2, NM_001291594.2); short protein forms K323E.
Identifiers: ClinVar variation 1402008 (VCV001402008.8), dbSNP rs763652381, ClinGen allele CA554695.

ClinVar aggregate classification (germline): Uncertain significance (1 of 4 stars; one submission).

Conditions:
Nephronophthisis. Also called: Juvenile Nephronophthisis. Identifiers: Orphanet 655, MedGen C0687120, MONDO:0019005, HP:0000090.

Allele frequency attached by ClinVar (database versions not stated): gnomAD exomes below 0.00001; ExAC 0.00001; gnomAD 0.00001; TOPMed 0.00001.
gnomAD v4.1: 2 of 1,613,790 alleles (0.00012%); highest among the groups gnomAD compares: African/African-American, 0.0013%; no homozygotes.

Submission:

Labcorp Genetics (formerly Invitae), Labcorp
Classification: Uncertain significance for Nephronophthisis. Last evaluated: 2020-11-15. Review status: criteria provided, single submitter. Criteria: Invitae Variant Classification Sherloc (09022015). Collection method: clinical testing. Allele origin: germline.
Comment: In summary, the available evidence is currently insufficient to determine the role of this variant in disease. Therefore, it has been classified as a Variant of Uncertain Significance. Algorithms developed to predict the effect of missense changes on protein structure and function output the following: SIFT: "Tolerated"; PolyPhen-2: "Possibly Damaging"; Align-GVGD: "Class C0". The glutamic acid amino acid residue is found in multiple mammalian species, suggesting that this missense change does not adversely affect protein function. These predictions have not been confirmed by published functional studies and their clinical significance is uncertain. This sequence change replaces lysine with glutamic acid at codon 323 of the NPHP4 protein (p.Lys323Glu). The lysine residue is moderately conserved and there is a small physicochemical difference between lysine and glutamic acid. This variant is present in population databases (rs763652381, ExAC 0.01%). This variant has not been reported in the literature in individuals with NPHP4-related conditions.